The following is an entry in ClinVar:

ClinVar aggregate classification (germline): Uncertain significance (1 of 4 stars; one submission).

Submission:

Labcorp Genetics (formerly Invitae), Labcorp
Classification: Uncertain significance. Last evaluated: 2025-05-19. Review status: criteria provided, single submitter. Criteria: Invitae Variant Classification Sherloc (09022015). Collection method: clinical testing. Allele origin: germline.
Comment: This sequence change replaces threonine, which is neutral and polar, with lysine, which is basic and polar, at codon 63 of the OPHN1 protein (p.Thr63Lys). This variant is not present in population databases (gnomAD no frequency). This variant has not been reported in the literature in individuals affected with OPHN1-related conditions. ClinVar contains an entry for this variant (Variation ID: 2093684). An algorithm developed to predict the effect of missense changes on protein structure and function (PolyPhen-2) suggests that this variant is likely to be disruptive. In summary, the available evidence is currently insufficient to determine the role of this variant in disease. Therefore, it has been classified as a Variant of Uncertain Significance.

NM_002547.3(OPHN1):c.188C>A (p.Thr63Lys)

Gene: OPHN1 (oligophrenin 1; minus strand). Cytogenetic location: Xq12.
Variant type: single nucleotide variant.
Coding change: c.188C>A on transcript NM_002547.3 (MANE Select); coding-DNA position 188, C replaced by A.
Protein change: p.Thr63Lys; replaces threonine 63 with lysine.
Molecular consequence: missense variant.
Genome position (GRCh38, 1-based): chrX:68,299,063, G>T on the plus strand (C>A on the coding strand, the complement: OPHN1 is on the minus strand). VCF-style: chrX-68299063-G-T. GRCh37 (hg19) VCF-style: chrX-67518905-G-T.
Other names: short protein forms T63K.
Identifiers: ClinVar variation 2093684 (VCV002093684.4), dbSNP rs2519930440, ClinGen allele CA413432552.
Genomic context (GRCh38, chrX:68,299,063, plus strand): 5'-ATGTTAATTTCATCATCAGTCAGAGTGTCTCCAATGAAATCAAACTGAAATGACTGCAGC[G>T]TCTGGGAAAATTTCTGAACAGCAGAAGAATAATCTGCAAAGGAAGGGTAACAAGAGAAAT-3'
Protein context (NP_002538.1, residues 53-73): YSSAVQKFSQ[Thr63Lys]LQSFQFDFIG